The following is an entry in ClinVar:

ClinVar aggregate classification (germline): Uncertain significance (1 of 4 stars; one submission).

Conditions:
Neurodevelopmental disorder with or without hyperkinetic movements and seizures, autosomal dominant. Also called: Intellectual disability, autosomal dominant 8. Identifiers: MedGen C3280282, MONDO:0013655, OMIM 614254.

Submission:

Labcorp Genetics (formerly Invitae), Labcorp
Classification: Uncertain significance for Neurodevelopmental disorder with or without hyperkinetic movements and seizures, autosomal dominant. Last evaluated: 2022-03-11. Review status: criteria provided, single submitter. Criteria: Invitae Variant Classification Sherloc (09022015). Collection method: clinical testing. Allele origin: germline.
Comment: In summary, the available evidence is currently insufficient to determine the role of this variant in disease. Therefore, it has been classified as a Variant of Uncertain Significance. Advanced modeling of protein sequence and biophysical properties (such as structural, functional, and spatial information, amino acid conservation, physicochemical variation, residue mobility, and thermodynamic stability) performed at Invitae indicates that this missense variant is expected to disrupt GRIN1 protein function. This variant has not been reported in the literature in individuals affected with GRIN1-related conditions. This variant is not present in population databases (gnomAD no frequency). This sequence change replaces glutamic acid, which is acidic and polar, with alanine, which is neutral and non-polar, at codon 834 of the GRIN1 protein (p.Glu834Ala).

NM_007327.4(GRIN1):c.2501A>C (p.Glu834Ala)

Gene: GRIN1 (glutamate ionotropic receptor NMDA type subunit 1; plus strand). Cytogenetic location: 9q34.3.
Variant type: single nucleotide variant.
Coding change: c.2501A>C on transcript NM_007327.4 (MANE Select); coding-DNA position 2501, A replaced by C.
Protein change: p.Glu834Ala; replaces glutamic acid 834 with alanine.
Molecular consequence: missense variant.
Genome position (GRCh38, 1-based): chr9:137,163,816, A>C. VCF-style: chr9-137163816-A-C. GRCh37 (hg19) VCF-style: chr9-140058268-A-C.
Other names: c.2501A>C, p.Glu834Ala (NM_000832.7, NM_021569.4); c.2564A>C, p.Glu855Ala (NM_001185090.2, NM_001185091.2); short protein forms E834A, E855A.
Identifiers: ClinVar variation 2109430 (VCV002109430.4), dbSNP rs2538649638, ClinGen allele CA375726603.